The following is an entry in ClinVar:

NM_078629.4(MSL3):c.1193C>A (p.Ser398Ter)

Gene: MSL3 (MSL complex subunit 3; plus strand). Cytogenetic location: Xp22.2.
Variant type: single nucleotide variant.
Coding change: c.1193C>A on transcript NM_078629.4 (MANE Select); coding-DNA position 1193, C replaced by A.
Protein change: p.Ser398Ter; replaces serine 398 with a stop codon.
Molecular consequence: nonsense.
Genome position (GRCh38, 1-based): chrX:11,768,594, C>A. VCF-style: chrX-11768594-C-A. GRCh37 (hg19) VCF-style: chrX-11786713-C-A.
Other names: c.1157C>A, p.Ser386Ter (NM_001193270.2); c.746C>A, p.Ser249Ter (NM_001282174.1); c.695C>A, p.Ser232Ter (NM_006800.4); short protein forms S232*, S398*, S386*, S249*.
Identifiers: ClinVar variation 504431 (VCV000504431.2), dbSNP rs1555907210, ClinGen allele CA412066571.

ClinVar aggregate classification (germline): Conflicting classifications of pathogenicity. Review status: criteria provided, conflicting classifications (1 of 4 stars). 2 submissions from 2 submitters: Pathogenic (1); Uncertain significance (1). Last evaluated 2025-07-31.

Conditions:
Basilicata-Akhtar syndrome. Also called: MENTAL RETARDATION, X-LINKED, SYNDROMIC, BASILICATA-AKHTAR TYPE; INTELLECTUAL DEVELOPMENTAL DISORDER, X-LINKED, SYNDROMIC, 36. Identifiers: MedGen C5231394, MONDO:0026730, OMIM 301032.

Submissions (2):

Division of Genetic & Genomic Pathology, Hong Kong Children's Hospital
Classification: Pathogenic for Basilicata-Akhtar syndrome. Last evaluated: 2025-07-31. Review status: criteria provided, single submitter. Criteria: ACMG Guidelines, 2015. Collection method: clinical testing. Allele origin: de novo. Affected: yes.
Comment: The MSL3 c.1193C>A p.(Ser398Ter) variant results in a stop gain in exon 10 (out of 13 exons) of the MSL3 gene. It is predicted to generate mRNA transcripts with premature stop codon targeted by nonsense-mediated decay. Loss-of-function variants in MSL3 are known to be pathogenic (PMID: 33173220). This variant is absent in population controls (gnomAD v4.1.0 and v2.1.1). It has been reported as a VUS in ClinVar (VCV000504431.1). This variant has been reported in a cohort of autism but no clinical details were provided (PMID: 35982159, 38958063).

GeneDx
Classification: Uncertain significance. Last evaluated: 2018-03-07. Review status: criteria provided, single submitter. Criteria: GeneDx Variant Classification (06012015). Collection method: clinical testing. Allele origin: germline. Affected: yes.
Comment: The S232X variant has not been published as a pathogenic variant, nor has it been reported as a benign variant to our knowledge. This variant is predicted to cause loss of normal protein function either through protein truncation or nonsense-mediated mRNA decay. The S232X variant is not observed in large population cohorts (Lek et al., 2016). Based on the currently available information, it is unclear whether this variant is a pathogenic variant or a rare benign variant.

Literature cited by the submitters: PubMed 33173220 (cited by Division of Genetic & Genomic Pathology, Hong Kong Children's Hospital); PubMed 35982159 (cited by Division of Genetic & Genomic Pathology, Hong Kong Children's Hospital); PubMed 38958063 (cited by Division of Genetic & Genomic Pathology, Hong Kong Children's Hospital).